The following is an entry in ClinVar:

NM_018699.4(PRDM5):c.97G>A (p.Glu33Lys)

Gene: PRDM5 (PR/SET domain 5; minus strand). Cytogenetic location: 4q27.
Variant type: single nucleotide variant.
Coding change: c.97G>A on transcript NM_018699.4 (MANE Select); coding-DNA position 97, G replaced by A.
Protein change: p.Glu33Lys; replaces glutamic acid 33 with lysine.
Molecular consequence: missense variant.
Genome position (GRCh38, 1-based): chr4:120,907,554, C>T on the plus strand (G>A on the coding strand, the complement: PRDM5 is on the minus strand). VCF-style: chr4-120907554-C-T. GRCh37 (hg19) VCF-style: chr4-121828709-C-T.
Other names: c.97G>A, p.Glu33Lys (NM_001300823.2, NM_001300824.2, NM_001379104.1 and 1 more transcripts); short protein forms E33K.
Identifiers: ClinVar variation 5027262 (VCV005027262.1).

ClinVar aggregate classification (germline): Uncertain significance (1 of 4 stars; one submission).

Conditions:
Cardiovascular phenotype. Identifiers: MedGen CN230736.

Submission:

Ambry Genetics
Classification: Uncertain significance for Cardiovascular phenotype. Last evaluated: 2026-07-21. Review status: criteria provided, single submitter. Criteria: Ambry Variant Classification Scheme 2023. Collection method: clinical testing. Allele origin: germline.
Comment: The p.E33K variant (also known as c.97G>A), located in coding exon 2 of the PRDM5 gene, results from a G to A substitution at nucleotide position 97. The glutamic acid at codon 33 is replaced by lysine, an amino acid with similar properties. This amino acid position is conserved. In addition, the in silico prediction for this alteration is inconclusive. Based on the available evidence, the clinical significance of this variant remains unclear.